The following is an entry in ClinVar:

ClinVar aggregate classification (germline): Pathogenic/Likely pathogenic. Review status: criteria provided, multiple submitters, no conflicts (2 of 4 stars). 4 submissions from 4 submitters: Pathogenic (3); Likely pathogenic (1). Last evaluated 2025-11-07.

Conditions:
Mucopolysaccharidosistype IIIB.
Charcot-Marie-Tooth disease axonal type 2V. Also called: CHARCOT-MARIE-TOOTH NEUROPATHY, TYPE 2V; CHARCOT-MARIE-TOOTH DISEASE, AXONAL, AUTOSOMAL DOMINANT, TYPE 2V. Identifiers: Orphanet 447964, MedGen C5569050, MONDO:0014665, OMIM 616491.
Mucopolysaccharidosis, MPS-III-B (MPS3B). Also called: Mucopolysaccharidosis type IIIB (Sanfilippo B); MPS IIIB (Sanfilippo Syndrome Type B); MPS III B; N-ACETYL-ALPHA-D-GLUCOSAMINIDASE DEFICIENCY; NAGLU DEFICIENCY; MUCOPOLYSACCHARIDOSIS, TYPE IIIB. Identifiers: Orphanet 79270, MedGen C0086648, MONDO:0009656, OMIM 252920.

Submissions (4):

Women's Health and Genetics/Laboratory Corporation of America, LabCorp
Classification: Pathogenic for Mucopolysaccharidosis, MPS-III-B. Last evaluated: 2025-11-07. Review status: criteria provided, single submitter. Criteria: LabCorp Variant Classification Summary - May 2015. Collection method: clinical testing. Allele origin: germline.
Comment: Variant summary: NAGLU c.701G>C (p.Arg234Pro) results in a non-conservative amino acid change in the encoded protein sequence. Algorithms developed to predict the effect of missense changes on protein structure and function all suggest that this variant is likely to be disruptive. The variant was absent in 250902 control chromosomes. c.701G>C has been observed in a homozygous individual affected with Mucopolysaccharidosis Type IIIB (Sanfilippo Syndrome B) (Cheema_2020). These data indicate that the variant may be associated with disease. A different variant affecting the same codon has been classified as pathogenic by our lab (c.700C>T, p.Arg234Cys), supporting the critical relevance of codon 234 to NAGLU protein function. In agreement with this, alpha-N-acetylglucosaminidase activity in the patient homozygous for p.Arg234Pro was undetectable (Cheema_2020). The following publication has been ascertained in the context of this evaluation (PMID: 33083013). ClinVar contains an entry for this variant (Variation ID: 280994). Based on the evidence outlined above, the variant was classified as pathogenic.

Labcorp Genetics (formerly Invitae), Labcorp
Classification: Pathogenic for Charcot-Marie-Tooth disease axonal type 2V; Mucopolysaccharidosis, MPS-III-B. Last evaluated: 2023-02-05. Review status: criteria provided, single submitter. Criteria: Invitae Variant Classification Sherloc (09022015). Collection method: clinical testing. Allele origin: germline.
Comment: This missense change has been observed in individual(s) with clinical features of mucopolysaccharidosis type IIIB (PMID: 33083013). This sequence change replaces arginine, which is basic and polar, with proline, which is neutral and non-polar, at codon 234 of the NAGLU protein (p.Arg234Pro). This variant is not present in population databases (gnomAD no frequency). ClinVar contains an entry for this variant (Variation ID: 280994). Advanced modeling of protein sequence and biophysical properties (such as structural, functional, and spatial information, amino acid conservation, physicochemical variation, residue mobility, and thermodynamic stability) performed at Invitae indicates that this missense variant is expected to disrupt NAGLU protein function. This variant disrupts the p.Arg234 amino acid residue in NAGLU. Other variant(s) that disrupt this residue have been determined to be pathogenic (PMID: 9832037, 11286389, 18218046, 30070758). This suggests that this residue is clinically significant, and that variants that disrupt this residue are likely to be disease-causing. For these reasons, this variant has been classified as Pathogenic.

Eurofins Ntd Llc (ga)
Classification: Likely pathogenic. Last evaluated: 2016-06-01. Review status: criteria provided, single submitter. Criteria: EGL Classification Definitions 2015. Collection method: clinical testing. Allele origin: germline. Observed: 2 variant alleles, 2 heterozygotes.

CENTOGENE GmbH and LLC - Guiding Precision Medicine
Classification: Pathogenic for Mucopolysaccharidosistype IIIB. Review status: criteria provided, single submitter. Criteria: ACMG Guidelines, 2015. Collection method: clinical testing. Allele origin: germline. Affected: yes.

Literature cited by the submitters: PubMed 33083013 (cited by Women's Health and Genetics/Laboratory Corporation of America, LabCorp and Labcorp Genetics (formerly Invitae), Labcorp); PubMed 9832037 (cited by Labcorp Genetics (formerly Invitae), Labcorp); PubMed 11286389 (cited by Labcorp Genetics (formerly Invitae), Labcorp); PubMed 18218046 (cited by Labcorp Genetics (formerly Invitae), Labcorp); PubMed 30070758 (cited by Labcorp Genetics (formerly Invitae), Labcorp).

NM_000263.4(NAGLU):c.701G>C (p.Arg234Pro)

Gene: NAGLU (N-acetyl-alpha-glucosaminidase; plus strand). Cytogenetic location: 17q21.2.
Variant type: single nucleotide variant.
Coding change: c.701G>C on transcript NM_000263.4 (MANE Select); coding-DNA position 701, G replaced by C.
Protein change: p.Arg234Pro; replaces arginine 234 with proline.
Molecular consequence: missense variant.
Genome position (GRCh38, 1-based): chr17:42,538,692, G>C. VCF-style: chr17-42538692-G-C. GRCh37 (hg19) VCF-style: chr17-40690710-G-C.
Other names: short protein forms R234P.
Identifiers: ClinVar variation 280994 (VCV000280994.10), dbSNP rs886042073, ClinGen allele CA10603774.